The following is an entry in ClinVar:

ClinVar aggregate classification (germline): Uncertain significance (1 of 4 stars; one submission).

Submission:

CeGaT Center for Human Genetics Tuebingen
Classification: Uncertain significance. Last evaluated: 2023-03-01. Review status: criteria provided, single submitter. Criteria: CeGaT Center For Human Genetics Tuebingen Variant Classification Criteria Version 2. Collection method: clinical testing. Allele origin: germline. Affected: yes. Observed: 1 variant allele.
Comment: KCNK4: PM2, PM4

NM_033310.3(KCNK4):c.366_369delinsCTGC (p.Tyr123Cys)

Genes: KCNK4 (potassium two pore domain channel subfamily K member 4; plus strand), KCNK4-CATSPERZ (KCNK4-CATSPERZ readthrough (NMD candidate); plus strand). Cytogenetic location: 11q13.1.
Variant type: Indel.
Coding change: c.366_369delinsCTGC on transcript NM_033310.3 (MANE Select); coding-DNA positions 366 to 369, TTAT replaced by CTGC.
Protein change: p.Tyr123Cys; replaces tyrosine 123 with cysteine.
Molecular consequence: missense variant. On other transcripts: non-coding transcript variant (3).
Genome position (GRCh38, 1-based): chr11:64,297,171-64,297,174, TTAT replaced by CTGC. VCF-style: chr11-64297171-TTAT-CTGC. GRCh37 (hg19) VCF-style: chr11-64064643-TTAT-CTGC.
Other names: c.366_369delinsCTGC, p.Tyr123Cys (NM_001317090.2); c.366_369delTTATinsCTGC, p.Tyr123Cys (NM_033311.1); short protein forms Y123C.
Identifiers: ClinVar variation 2641917 (VCV002641917.24), dbSNP rs2495688012, ClinGen allele CA2695198892.